The following is an entry in ClinVar:

NM_004463.3(FGD1):c.2647C>T (p.Arg883Trp)

Genes: FGD1 (FYVE, RhoGEF and PH domain containing 1; minus strand), TSR2 (TSR2 ribosome maturation factor; plus strand). Cytogenetic location: Xp11.22.
Variant type: single nucleotide variant.
Coding change: c.2647C>T on transcript NM_004463.3 (MANE Select); coding-DNA position 2647, C replaced by T.
Protein change: p.Arg883Trp; replaces arginine 883 with tryptophan.
Molecular consequence: missense variant. On other transcripts: 3 prime UTR variant (5).
Genome position (GRCh38, 1-based): chrX:54,446,348, G>A on the plus strand (C>T on the coding strand, the complement: FGD1 is on the minus strand). VCF-style: chrX-54446348-G-A. GRCh37 (hg19) VCF-style: chrX-54472781-G-A.
Other names: c.*1798G>A (NM_001346789.2, NM_001346790.2, NM_001346791.2 and 2 more transcripts); short protein forms R883W.
Identifiers: ClinVar variation 2660663 (VCV002660663.25), dbSNP rs1295137376, ClinGen allele CA413358201.

ClinVar aggregate classification (germline): Uncertain significance. Review status: criteria provided, multiple submitters, no conflicts (2 of 4 stars). 2 submissions from 2 submitters: Uncertain significance (2). Last evaluated 2022-08-02.

Conditions:
Aarskog syndrome (AAS). Also called: Aarskog-Scott syndrome, X-linked; FGD1-Related Faciogenital Dysplasia (Aarskog-Scott Syndrome); FGDY; Aarskog Scott syndrome; Aarskog disease. Identifiers: Orphanet 915, MedGen C0175701, MONDO:0010589, OMIM 305400.

Allele frequency attached by ClinVar (database versions not stated): gnomAD exomes below 0.00001; TOPMed below 0.00001.
gnomAD v4.1: 4 of 1,210,626 alleles (0.00033%); highest among the groups gnomAD compares: Non-Finnish European, 0.00045%; no homozygotes.

Submissions (2):

Department of Pathology and Laboratory Medicine, Sinai Health System
Classification: Uncertain significance for Aarskog syndrome. Last evaluated: 2022-08-02. Review status: criteria provided, single submitter. Criteria: ACMG Guidelines, 2015. Collection method: research. Allele origin: germline.

CeGaT Center for Human Genetics Tuebingen
Classification: Uncertain significance. Last evaluated: 2022-05-01. Review status: criteria provided, single submitter. Criteria: CeGaT Center For Human Genetics Tuebingen Variant Classification Criteria Version 2. Collection method: clinical testing. Allele origin: germline. Affected: yes. Observed: 2 variant alleles.
Comment: FGD1: PP2, BP5